The following is an entry in ClinVar:

NM_000188.3(HK1):c.919C>T (p.Arg307Ter)

Gene: HK1 (hexokinase 1; plus strand). Cytogenetic location: 10q22.1.
Variant type: single nucleotide variant.
Coding change: c.919C>T on transcript NM_000188.3 (MANE Select); coding-DNA position 919, C replaced by T.
Protein change: p.Arg307Ter; replaces arginine 307 with a stop codon.
Molecular consequence: nonsense.
Genome position (GRCh38, 1-based): chr10:69,376,977, C>T. VCF-style: chr10-69376977-C-T. GRCh37 (hg19) VCF-style: chr10-71136733-C-T.
Other names: c.931C>T, p.Arg311Ter (NM_001322364.2, NM_001358263.1, NM_033497.3 and 1 more transcripts); c.1024C>T, p.Arg342Ter (NM_001322365.2); c.835C>T, p.Arg279Ter (NM_001322366.1); c.823C>T, p.Arg275Ter (NM_001322367.1); c.916C>T, p.Arg306Ter (NM_033496.3); c.883C>T, p.Arg295Ter (NM_033500.2); short protein forms R275*, R279*, R295*, R306*, R307*, R311*, R342*.
Identifiers: ClinVar variation 3608703 (VCV003608703.2).
Genomic context (GRCh38, chr10:69,376,977, plus strand): 5'-TGTGCCTTTCTCCACAGGTTTGAGAAGATGGTCAGTGGCATGTACTTGGGAGAGCTGGTT[C>T]GACTGATCCTAGTCAAGATGGCCAAGGAGGGCCTCTTATTTGAAGGGCGGATCACCCCGG-3'

ClinVar aggregate classification (germline): Pathogenic (1 of 4 stars; one submission).

Submission:

Labcorp Genetics (formerly Invitae), Labcorp
Classification: Pathogenic. Last evaluated: 2025-10-14. Review status: criteria provided, single submitter. Criteria: Invitae Variant Classification Sherloc (09022015). Collection method: clinical testing. Allele origin: germline.
Comment: This sequence change creates a premature translational stop signal (p.Arg307*) in the HK1 gene. It is expected to result in an absent or disrupted protein product. Loss-of-function variants in HK1 are known to be pathogenic (PMID: 11783948, 12211198, 31119733). This variant is present in population databases (rs756852184, gnomAD 0.002%). This variant has not been reported in the literature in individuals affected with HK1-related conditions. ClinVar contains an entry for this variant (Variation ID: 3608703). For these reasons, this variant has been classified as Pathogenic.

Literature cited by the submitters: PubMed 11783948; PubMed 12211198; PubMed 31119733.